The following is an entry in ClinVar:

NM_001868.4(CPA1):c.321C>T (p.Phe107=)

Gene: CPA1 (carboxypeptidase A1; plus strand). Cytogenetic location: 7q32.2.
Variant type: single nucleotide variant.
Coding change: c.321C>T on transcript NM_001868.4 (MANE Select); coding-DNA position 321, C replaced by T.
Protein change: p.Phe107=; no amino-acid change (phenylalanine 107 retained).
Molecular consequence: synonymous variant.
Genome position (GRCh38, 1-based): chr7:130,381,803, C>T. VCF-style: chr7-130381803-C-T. GRCh37 (hg19) VCF-style: chr7-130021644-C-T.
Identifiers: ClinVar variation 792090 (VCV000792090.18), dbSNP rs116214014, ClinGen allele CA4484753.
Genomic context (GRCh38, chr7:130,381,803, plus strand): 5'-GACCATGATCGAGGACGTGCAGTCGCTGCTGGACGAGGAGCAGGAGCAGATGTTCGCCTT[C>T]CGGTCCCGGGCGCGCTCCACCGACACTTTTAACTACGCCACCTACCACACCCTGGAGGAG-3'
Protein context (NP_001859.1, residues 97-117): LDEEQEQMFA[Phe107=]RSRARSTDTF

ClinVar aggregate classification (germline): Benign. Review status: criteria provided, multiple submitters, no conflicts (2 of 4 stars). 4 submissions from 4 submitters: Benign (3). 1 of the submissions does not count toward it. Last evaluated 2026-01-18.

Conditions:
Hereditary pancreatitis (PCTT). Also called: Hereditary chronic pancreatitis; PRSS1-Related Hereditary Pancreatitis. Identifiers: Orphanet 676, MedGen C0238339, MONDO:0008185, OMIM 167800.
CPA1-related disorder. Also called: CPA1-related condition.

Allele frequency attached by ClinVar (database versions not stated): gnomAD exomes 0.00028 and 0.00077; ExAC 0.00090; 1000 Genomes Project 0.00260; gnomAD 0.00297 and 0.00316; ESP Exome Variant Server 0.00308; 1000 Genomes Project 30x 0.00312; TOPMed 0.00328.

Submissions (4):

Labcorp Genetics (formerly Invitae), Labcorp
Classification: Benign. Last evaluated: 2026-01-18. Review status: criteria provided, single submitter. Criteria: Invitae Variant Classification Sherloc (09022015). Collection method: clinical testing. Allele origin: germline.

Ambry Genetics
Classification: Benign for Hereditary pancreatitis. Last evaluated: 2018-11-01. Review status: criteria provided, single submitter. Criteria: Ambry Variant Classification Scheme 2023. Collection method: clinical testing. Allele origin: germline.

Breakthrough Genomics
Classification: Benign. Review status: criteria provided, single submitter. Criteria: ACMG Guidelines, 2015. Collection method: not provided. Allele origin: germline. Inheritance: Unknown mechanism. Affected: yes.

PreventionGenetics, part of Exact Sciences
Classification: Benign for CPA1-related condition. Last evaluated: 2019-08-09. Review status: no assertion criteria provided. Collection method: clinical testing. Allele origin: germline. Not counted in ClinVar's aggregate classification.
Comment: This variant is classified as benign based on ACMG/AMP sequence variant interpretation guidelines (Richards et al. 2015 PMID: 25741868, with internal and published modifications).